The following is an entry in ClinVar:

NM_014271.4(IL1RAPL1):c.1323T>A (p.His441Gln)

Gene: IL1RAPL1 (interleukin 1 receptor accessory protein like 1; plus strand). Cytogenetic location: Xp21.2.
Variant type: single nucleotide variant.
Coding change: c.1323T>A on transcript NM_014271.4 (MANE Select); coding-DNA position 1323, T replaced by A.
Protein change: p.His441Gln; replaces histidine 441 with glutamine.
Molecular consequence: missense variant.
Genome position (GRCh38, 1-based): chrX:29,954,643, T>A. VCF-style: chrX-29954643-T-A. GRCh37 (hg19) VCF-style: chrX-29972760-T-A.
Other names: short protein forms H441Q.
Identifiers: ClinVar variation 4891427 (VCV004891427.1).
Genomic context (GRCh38, chrX:29,954,643, plus strand): 5'-AGAGACTGGGGAAGAAGAACGTTTTGCCCTTGAAATCCTACCTGATATGCTTGAAAAGCA[T>A]TATGGATATAAGTTGTTTATACCAGATAGAGATTTAATCCCAACTGGAAGTAAGTTAATG-3'
Protein context (NP_055086.1, residues 431-451): LEILPDMLEK[His441Gln]YGYKLFIPDR

ClinVar aggregate classification (germline): Uncertain significance (1 of 4 stars; one submission).

Submission:

GeneDx
Classification: Uncertain significance. Last evaluated: 2026-01-25. Review status: criteria provided, single submitter. Criteria: GeneDx Variant Classification Process June 2021. Collection method: clinical testing. Allele origin: germline.
Comment: In silico analysis suggests that this missense variant does not alter protein structure/function; Not observed at significant frequency in large population cohorts (gnomAD); Has not been previously published as pathogenic or benign to our knowledge